The following is an entry in ClinVar:

NM_001197104.2(KMT2A):c.2737A>C (p.Lys913Gln)

Gene: KMT2A (lysine methyltransferase 2A; plus strand). Cytogenetic location: 11q23.3.
Variant type: single nucleotide variant.
Coding change: c.2737A>C on transcript NM_001197104.2 (MANE Select); coding-DNA position 2737, A replaced by C.
Protein change: p.Lys913Gln; replaces lysine 913 with glutamine.
Molecular consequence: missense variant.
Genome position (GRCh38, 1-based): chr11:118,473,896, A>C. VCF-style: chr11-118473896-A-C. GRCh37 (hg19) VCF-style: chr11-118344611-A-C.
Other names: c.2836A>C, p.Lys946Gln (NM_001412597.1); c.2737A>C, p.Lys913Gln (NM_005933.4); short protein forms K913Q, K946Q.
Identifiers: ClinVar variation 4999326 (VCV004999326.1).

ClinVar aggregate classification (germline): Uncertain significance (1 of 4 stars; one submission).

Conditions:
KMT2A-related disorder. Also called: KMT2A-related condition.

Submission:

PreventionGenetics, part of Exact Sciences
Classification: Uncertain significance for KMT2A-related condition. Last evaluated: 2025-05-01. Review status: criteria provided, single submitter. Criteria: ACMG Guidelines, 2015. Collection method: clinical testing. Allele origin: germline.
Comment: The KMT2A c.2737A>C variant is predicted to result in the amino acid substitution p.Lys913Gln. To our knowledge, this variant has not been reported in the literature or in a large population database (gnomAD), indicating this variant is rare. At this time, the clinical significance of this variant is uncertain due to the absence of conclusive functional and genetic evidence.